The following is an entry in ClinVar:

ClinVar aggregate classification (germline): Pathogenic/Likely pathogenic. Review status: criteria provided, multiple submitters, no conflicts (2 of 4 stars). 2 submissions from 2 submitters: Pathogenic (1); Likely pathogenic (1). Last evaluated 2025-05-20.

Conditions:
DYNC1H1-related disorder. Also called: DYNC1H1-related condition; DYNC1H1-related disorders. Identifiers: MedGen CN381529.

Submissions (2):

Greenwood Genetic Center Diagnostic Laboratories, Greenwood Genetic Center
Classification: Pathogenic for DYNC1H1-related disorder. Last evaluated: 2025-05-20. Review status: criteria provided, single submitter. Criteria: ACMG Guidelines, 2015. Collection method: clinical testing. Allele origin: germline. Affected: yes.
Comment: PS2, PM1, PM2, PM5_Supporting, PP2

GeneDx
Classification: Likely pathogenic. Last evaluated: 2017-10-23. Review status: criteria provided, single submitter. Criteria: GeneDx Variant Classification (06012015). Collection method: clinical testing. Allele origin: germline. Affected: yes.
Comment: The D338G variant has not been published as a pathogenic variant, nor has it been reported as a benign variant to our knowledge. However, a different missense variant at the same position (D338N) has been reported in an individual with lower and upper extremity weakness, muscle atrophy, talipes, and arthrogryposis (Scoto et al., 2015). The D338G variant is not observed in large population cohorts (Lek et al., 2016). This variant is a non-conservative amino acid substitution, which is likely to impact secondary protein structure as these residues differ in polarity, charge, size and/or other properties. This substitution occurs at a conserved position within the dimerization domain of the DYNC1H1 protein. In silico analysis predicts this variant is probably damaging to the protein structure/function.

NM_001376.5(DYNC1H1):c.1013A>G (p.Asp338Gly)

Gene: DYNC1H1 (dynein cytoplasmic 1 heavy chain 1; plus strand). Cytogenetic location: 14q32.31.
Variant type: single nucleotide variant.
Coding change: c.1013A>G on transcript NM_001376.5 (MANE Select); coding-DNA position 1013, A replaced by G.
Protein change: p.Asp338Gly; replaces aspartic acid 338 with glycine.
Molecular consequence: missense variant.
Genome position (GRCh38, 1-based): chr14:101,983,070, A>G. VCF-style: chr14-101983070-A-G. GRCh37 (hg19) VCF-style: chr14-102449407-A-G.
Other names: short protein forms D338G.
Identifiers: ClinVar variation 452895 (VCV000452895.3), dbSNP rs879254267, ClinGen allele CA391012425.